The following is an entry in ClinVar:

NM_014263.4(YME1L1):c.704G>A (p.Arg235Gln)

Gene: YME1L1 (YME1 like 1 ATPase; minus strand). Cytogenetic location: 10p12.1.
Variant type: single nucleotide variant.
Coding change: c.704G>A on transcript NM_014263.4 (MANE Select); coding-DNA position 704, G replaced by A.
Protein change: p.Arg235Gln; replaces arginine 235 with glutamine.
Molecular consequence: missense variant.
Genome position (GRCh38, 1-based): chr10:27,134,110, C>T on the plus strand (G>A on the coding strand, the complement: YME1L1 is on the minus strand). VCF-style: chr10-27134110-C-T. GRCh37 (hg19) VCF-style: chr10-27423039-C-T.
Other names: c.605G>A, p.Arg202Gln (NM_001253866.2); c.875G>A, p.Arg292Gln (NM_139312.3); c.875G>A (NM_139312.1); short protein forms R202Q, R235Q, R292Q.
Identifiers: ClinVar variation 2162225 (VCV002162225.5), dbSNP rs1172430825, ClinGen allele CA376374823.

ClinVar aggregate classification (germline): Uncertain significance. Review status: criteria provided, multiple submitters, no conflicts (2 of 4 stars). 2 submissions from 2 submitters: Uncertain significance (2). Last evaluated 2025-08-25.

Allele frequency attached by ClinVar (database versions not stated): TOPMed below 0.00001; gnomAD exomes 0.00001.
gnomAD v4.1: 12 of 1,611,878 alleles (0.00074%); highest among the groups gnomAD compares: South Asian, 0.0011%; no homozygotes.

Submissions (2):

Ambry Genetics
Classification: Uncertain significance. Last evaluated: 2025-08-25. Review status: criteria provided, single submitter. Criteria: Ambry Variant Classification Scheme 2023. Collection method: clinical testing. Allele origin: germline.

Labcorp Genetics (formerly Invitae), Labcorp
Classification: Uncertain significance. Last evaluated: 2022-04-30. Review status: criteria provided, single submitter. Criteria: Invitae Variant Classification Sherloc (09022015). Collection method: clinical testing. Allele origin: germline.
Comment: This sequence change replaces arginine, which is basic and polar, with glutamine, which is neutral and polar, at codon 292 of the YME1L1 protein (p.Arg292Gln). The frequency data for this variant in the population databases is considered unreliable, as metrics indicate poor data quality at this position in the gnomAD database. This variant has not been reported in the literature in individuals affected with YME1L1-related conditions. Algorithms developed to predict the effect of missense changes on protein structure and function are either unavailable or do not agree on the potential impact of this missense change (SIFT: "Tolerated"; PolyPhen-2: "Possibly Damaging"; Align-GVGD: "Class C0"). In summary, the available evidence is currently insufficient to determine the role of this variant in disease. Therefore, it has been classified as a Variant of Uncertain Significance.